The following is an entry in ClinVar:

ClinVar aggregate classification (germline): Pathogenic/Likely pathogenic. Review status: criteria provided, multiple submitters, no conflicts (2 of 4 stars). 2 submissions from 2 submitters: Pathogenic (1); Likely pathogenic (1). Last evaluated 2024-07-08.

Conditions:
KCNV2-related disorder. Also called: KCNV2-related condition.

Submissions (2):

Blueprint Genetics
Classification: Likely pathogenic for KCNV2-related disorders. Last evaluated: 2024-07-08. Review status: criteria provided, single submitter. Criteria: ACMG Guidelines, 2015. Collection method: clinical testing. Allele origin: germline. Affected: yes. Observed: 1 variant allele.

Labcorp Genetics (formerly Invitae), Labcorp
Classification: Pathogenic. Last evaluated: 2022-07-29. Review status: criteria provided, single submitter. Criteria: Invitae Variant Classification Sherloc (09022015). Collection method: clinical testing. Allele origin: germline.
Comment: This sequence change creates a premature translational stop signal (p.His446Profs*53) in the KCNV2 gene. While this is not anticipated to result in nonsense mediated decay, it is expected to disrupt the last 100 amino acid(s) of the KCNV2 protein. This variant is present in population databases (no rsID available, gnomAD 0.0009%). This premature translational stop signal has been observed in individual(s) with clinical features of KCNV2-related conditions (PMID: 33309813). This variant disrupts a region of the KCNV2 protein in which other variant(s) (p.Leu469Trpfs*35) have been determined to be pathogenic (PMID: 18400204). This suggests that this is a clinically significant region of the protein, and that variants that disrupt it are likely to be disease-causing. For these reasons, this variant has been classified as Pathogenic.

Literature cited by the submitters: PubMed 33309813 (cited by Labcorp Genetics (formerly Invitae), Labcorp); PubMed 18400204 (cited by Labcorp Genetics (formerly Invitae), Labcorp).

NM_133497.4(KCNV2):c.1336dup (p.His446fs)

Gene: KCNV2 (potassium voltage-gated channel modifier subfamily V member 2; plus strand). Cytogenetic location: 9p24.2.
Variant type: Duplication.
Coding change: c.1336dup on transcript NM_133497.4 (MANE Select); coding-DNA position 1336, one base duplicated (C; older notation c.1336dupC).
Protein change: p.His446fs; shifts the reading frame from histidine 446.
Molecular consequence: frameshift variant.
Genome position (GRCh38, 1-based): chr9:2,719,075, C duplicated; the last of 5 consecutive C bases (chr9:2,719,071-2,719,075); duplicating any one gives the same sequence. VCF-style (leftmost placement, unchanged base first): chr9-2719070-T-TC. GRCh37 (hg19) VCF-style: chr9-2719070-T-TC.
Other names: short protein forms H446fs.
Identifiers: ClinVar variation 1911474 (VCV001911474.6), dbSNP rs1563796333, ClinGen allele CA586168535.
Genomic context (GRCh38, chr9:2,719,070, plus strand): 5'-CTTTCTCTGCGGCTGTCTACTCTGTGGAGCACGATGTGCCCAGCACCAACTTCACTACCA[T>TC]CCCCCACTCCTGGTGGTGGGCCGCGGTGAGTACCTTTGCCCTGGGCTTTCCCATCCTCTT-3'